The following is an entry in ClinVar:

NM_001080512.3(BICC1):c.616G>A (p.Val206Met)

Gene: BICC1 (BicC family RNA binding protein 1; plus strand). Cytogenetic location: 10q21.1.
Variant type: single nucleotide variant.
Coding change: c.616G>A on transcript NM_001080512.3 (MANE Select); coding-DNA position 616, G replaced by A.
Protein change: p.Val206Met; replaces valine 206 with methionine.
Molecular consequence: missense variant.
Genome position (GRCh38, 1-based): chr10:58,789,277, G>A. VCF-style: chr10-58789277-G-A. GRCh37 (hg19) VCF-style: chr10-60549037-G-A.
Other names: c.616G>A (NM_001080512.2); short protein forms V206M.
Identifiers: ClinVar variation 2052280 (VCV002052280.29), dbSNP rs142962946, ClinGen allele CA5508296.

ClinVar aggregate classification (germline): Benign/Likely benign. Review status: criteria provided, multiple submitters, no conflicts (2 of 4 stars). 4 submissions from 4 submitters: Benign (2); Likely benign (1). 1 of the submissions does not count toward it. Last evaluated 2025-12-10.

Conditions:
BICC1-related disorder. Also called: BICC1-related condition.

Allele frequency attached by ClinVar (database versions not stated): TOPMed 0.00159; ESP Exome Variant Server 0.00177; 1000 Genomes Project 0.00280; 1000 Genomes Project 30x 0.00297; ExAC 0.00484; gnomAD 0.00506.

Submissions (4):

Labcorp Genetics (formerly Invitae), Labcorp
Classification: Benign. Last evaluated: 2025-12-10. Review status: criteria provided, single submitter. Criteria: Invitae Variant Classification Sherloc (09022015). Collection method: clinical testing. Allele origin: germline.

Blueprint Genetics
Classification: Likely benign. Last evaluated: 2024-11-25. Review status: criteria provided, single submitter. Criteria: ACMG Guidelines, 2015. Collection method: clinical testing. Allele origin: germline.

CeGaT Center for Human Genetics Tuebingen
Classification: Benign. Last evaluated: 2022-11-01. Review status: criteria provided, single submitter. Criteria: CeGaT Center For Human Genetics Tuebingen Variant Classification Criteria Version 2. Collection method: clinical testing. Allele origin: germline. Affected: yes. Observed: 1 variant allele.
Comment: BICC1: BS1, BS2

PreventionGenetics, part of Exact Sciences
Classification: Likely benign for BICC1-related condition. Last evaluated: 2024-09-12. Review status: no assertion criteria provided. Collection method: clinical testing. Allele origin: germline. Not counted in ClinVar's aggregate classification.
Comment: This variant is classified as likely benign based on ACMG/AMP sequence variant interpretation guidelines (Richards et al. 2015 PMID: 25741868, with internal and published modifications).